The following is an entry in ClinVar:

ClinVar aggregate classification (germline): Uncertain significance. Review status: reviewed by expert panel (3 of 4 stars). 5 submissions from 5 submitters: Uncertain significance (1). 4 of the submissions do not count toward it. Last evaluated 2025-10-08.

Conditions:
Fanconi renotubular syndrome 1. Also called: Toni-Debre-Fanconi syndrome; Neonatal De Toni-Debre-Fanconi syndrome; De Toni-Fanconi syndrome; LUDER-SHELDON SYNDROME; FRTS1. Identifiers: MedGen C4551503, MONDO:0024525, OMIM 134600.
GATM-related disorders.
Arginine:glycine amidinotransferase deficiency (CCDS3). Also called: Creatine deficiency syndrome due to AGAT deficiency; GATM deficiency; L-Arginine:Glycine Amidinotransferase (AGAT) Deficiency; AGAT deficiency; Cerebral creatine deficiency syndrome 3; L-Arginine:Glycine Amidinotransferase Deficiency. Identifiers: Orphanet 35704, MedGen C2675179, MONDO:0012996, OMIM 612718.

Submissions (5):

ClinGen Cerebral Creatine Deficiency Syndromes Variant Curation Expert Panel, ClinGen
Classification: Uncertain significance for Arginine:glycine amidinotransferase deficiency. Last evaluated: 2025-10-08. Review status: reviewed by expert panel. Criteria: ClinGen CCDS ACMG Specifications GAMT V2.0.0. Collection method: curation. Allele origin: germline. Inheritance: Autosomal recessive inheritance.
Comment: The NM_001482.3:c.1022C>T variant in GATM is a missense variant predicted to cause substitution of proline by leucine at amino acid 341 (p.Pro341Leu). This variant is absent from gnomAD v2.1.1 (PM2_Supporting). The computational predictor REVEL gives a score of 0.476 which is neither above nor below the thresholds predicting a damaging (>0.75) or benign (<0.15) impact on AGAT function. There is a ClinVar entry for this variant (Variation ID: 917496). To our knowledge, this variant has not been reported in an individual with phenotypic features of AGAT deficiency. It has been reported as a single heterozygous variant segregating in a family autosomal dominant renal Fanconi syndrome and kidney failure (PMID: 29654216, 39544690). However, classification with respect to this alternative disorder is outside the scope of this curation. There is a ClinVar entry for this variant (Variation ID: 917496). In summary, this variant meets the criteria to be classified as a variant of uncertain significance for AGAT deficiency based on the GATM-specific ACMG/AMP criteria applied, as specified by the ClinGen Cerebral Creatine Deficiency Syndromes Variant Curation Expert Panel (Specifications Version 1.1.0): PM2_Supporting. (Classification approved by the ClinGen CCDS VCEP on October 8, 2025).

Fulgent Genetics
Classification: Uncertain significance for Fanconi renotubular syndrome 1; Arginine:glycine amidinotransferase deficiency. Last evaluated: 2022-04-30. Review status: criteria provided, single submitter. Criteria: ACMG Guidelines, 2015. Collection method: clinical testing. Allele origin: unknown. Not counted in ClinVar's aggregate classification.

Blueprint Genetics
Classification: Likely pathogenic for GATM-related disorders. Last evaluated: 2022-04-04. Review status: criteria provided, single submitter. Criteria: ACMG Guidelines, 2015. Collection method: clinical testing. Allele origin: germline. Affected: yes. Observed: 1 variant allele. Not counted in ClinVar's aggregate classification.

Baylor Genetics
Classification: Uncertain significance for Arginine:glycine amidinotransferase deficiency. Last evaluated: 2019-02-14. Review status: criteria provided, single submitter. Criteria: ACMG Guidelines, 2015. Collection method: clinical testing. Allele origin: de novo. Affected: yes. Not counted in ClinVar's aggregate classification.
Comment: This variant was determined to be of uncertain significance according to ACMG Guidelines, 2015 [PMID:25741868]. This variant has been previously reported as disease causing [PMID 29654216]

OMIM
Classification: Pathogenic for FANCONI RENOTUBULAR SYNDROME 1. Last evaluated: 2020-06-11. Review status: no assertion criteria provided. Collection method: literature only. Allele origin: germline. Not counted in ClinVar's aggregate classification.

Literature cited by the submitters: PubMed 29654216 (cited by Baylor Genetics and OMIM).

NM_001482.3(GATM):c.1022C>T (p.Pro341Leu)

Gene: GATM (glycine amidinotransferase; minus strand). Cytogenetic location: 15q21.1.
Variant type: single nucleotide variant.
Coding change: c.1022C>T on transcript NM_001482.3 (MANE Select); coding-DNA position 1022, C replaced by T.
Protein change: p.Pro341Leu; replaces proline 341 with leucine.
Molecular consequence: missense variant.
Genome position (GRCh38, 1-based): chr15:45,364,817, G>A on the plus strand (C>T on the coding strand, the complement: GATM is on the minus strand). VCF-style: chr15-45364817-G-A. GRCh37 (hg19) VCF-style: chr15-45657015-G-A.
Other names: NM_001482.3(GATM):c.1022C>T; p.Pro341Leu; c.635C>T, p.Pro212Leu (NM_001321015.2); short protein forms P341L, P212L.
Identifiers: ClinVar variation 917496 (VCV000917496.7), dbSNP rs1889422661, ClinGen allele CA392256442.